The following is an entry in ClinVar:

ClinVar aggregate classification (germline): Uncertain significance (1 of 4 stars; one submission).

Allele frequency attached by ClinVar (database versions not stated): gnomAD exomes below 0.00001; gnomAD 0.00001; TOPMed 0.00001.
gnomAD v4.1: 8 of 1,609,916 alleles (0.0005%); highest among the groups gnomAD compares: Non-Finnish European, 0.00068%; no homozygotes.

Submission:

Labcorp Genetics (formerly Invitae), Labcorp
Classification: Uncertain significance. Last evaluated: 2023-11-25. Review status: criteria provided, single submitter. Criteria: Invitae Variant Classification Sherloc (09022015). Collection method: clinical testing. Allele origin: germline.
Comment: This sequence change replaces valine, which is neutral and non-polar, with isoleucine, which is neutral and non-polar, at codon 599 of the PDE4D protein (p.Val599Ile). The frequency data for this variant in the population databases is considered unreliable, as metrics indicate poor data quality at this position in the gnomAD database. This variant has not been reported in the literature in individuals affected with PDE4D-related conditions. Advanced modeling of protein sequence and biophysical properties (such as structural, functional, and spatial information, amino acid conservation, physicochemical variation, residue mobility, and thermodynamic stability) has been performed at Invitae for this missense variant, however the output from this modeling did not meet the statistical confidence thresholds required to predict the impact of this variant on PDE4D protein function. In summary, the available evidence is currently insufficient to determine the role of this variant in disease. Therefore, it has been classified as a Variant of Uncertain Significance.

NM_001104631.2(PDE4D):c.1795G>A (p.Val599Ile)

Gene: PDE4D (phosphodiesterase 4D; minus strand). Cytogenetic location: 5q11.2.
Variant type: single nucleotide variant.
Coding change: c.1795G>A on transcript NM_001104631.2 (MANE Select); coding-DNA position 1795, G replaced by A.
Protein change: p.Val599Ile; replaces valine 599 with isoleucine.
Molecular consequence: missense variant.
Genome position (GRCh38, 1-based): chr5:58,976,385, C>T on the plus strand (G>A on the coding strand, the complement: PDE4D is on the minus strand). VCF-style: chr5-58976385-C-T. GRCh37 (hg19) VCF-style: chr5-58272212-C-T.
Other names: c.1612G>A, p.Val538Ile (NM_001165899.2, NM_001364599.1); c.1603G>A, p.Val535Ile (NM_001197218.2); c.1429G>A, p.Val477Ile (NM_001197219.2); c.1405G>A, p.Val469Ile (NM_001197220.2); c.889G>A, p.Val297Ile (NM_001197221.2, NM_001364603.1); c.1123G>A, p.Val375Ile (NM_001197222.2); c.922G>A, p.Val308Ile (NM_001197223.2); c.1582G>A, p.Val528Ile (NM_001349241.2); and 3 more; short protein forms V297I, V469I, V528I, V599I, V343I, V538I, V375I, V463I.
Identifiers: ClinVar variation 2990411 (VCV002990411.2), dbSNP rs1441082063, ClinGen allele CA359814664.